The following is an entry in ClinVar:

NM_018489.3(ASH1L):c.2345_2367del (p.Leu782fs)

Gene: ASH1L (ASH1 like histone lysine methyltransferase; minus strand). Cytogenetic location: 1q22.
Variant type: Deletion.
Coding change: c.2345_2367del on transcript NM_018489.3 (MANE Select); coding-DNA positions 2345 to 2367, 23 bases deleted (TGAGCAAATCCACAGCTCCATCT).
Protein change: p.Leu782fs; shifts the reading frame from leucine 782.
Molecular consequence: frameshift variant.
Genome position (GRCh38, 1-based): chr1:155,480,503-155,480,525, AGATGGAGCTGTGGATTTGCTCA deleted on the plus strand (TGAGCAAATCCACAGCTCCATCT on the coding strand, the reverse complement: ASH1L is on the minus strand); deleting any 23 consecutive bases within chr1:155,480,503-155,480,526 gives the same sequence; the c. name uses the placement nearest the transcript's 3' end. VCF-style (leftmost placement, unchanged base first): chr1-155480502-GAGATGGAGCTGTGGATTTGCTCA-G. GRCh37 (hg19) VCF-style: chr1-155450293-GAGATGGAGCTGTGGATTTGCTCA-G.
Other names: c.2345_2367del, p.Leu782fs (NM_001366177.2); short protein forms L782fs.
Identifiers: ClinVar variation 3789432 (VCV003789432.1).
Genomic context (GRCh38, chr1:155,480,502, plus strand): 5'-ATAGTTTGTGAGTAGCAAAAGACTTATGAGATGGTTTTTCACTATCAGCTAAGAGAGCAA[GAGATGGAGCTGTGGATTTGCTCA>G]ACTTTGGCAATCGGCGTTTAAGGAAGTCATGATCTACAAATGAAGGGGGTCCAATGTTTT-3'

ClinVar aggregate classification (germline): Pathogenic (1 of 4 stars; one submission).

Conditions:
Inborn genetic diseases. Identifiers: MedGen C0950123, MeSH D030342.

Submission:

Ambry Genetics
Classification: Pathogenic for Inborn genetic diseases. Last evaluated: 2025-02-27. Review status: criteria provided, single submitter. Criteria: Ambry Variant Classification Scheme 2023. Collection method: clinical testing. Allele origin: germline.
Comment: The c.2345_2367del23 (p.L782Sfs*6) alteration, located in exon 3 (coding exon 2) of the ASH1L gene, consists of a deletion of 23 nucleotides from position 2345 to 2367, causing a translational frameshift with a predicted alternate stop codon after 6 amino acids. This alteration is expected to result in loss of function by premature protein truncation or nonsense-mediated mRNA decay. This variant was not reported in population-based cohorts in the Genome Aggregation Database (gnomAD). Based on the available evidence, this alteration is classified as pathogenic.